The following is an entry in ClinVar:

ClinVar aggregate classification (germline): Uncertain significance (1 of 4 stars; one submission).

Allele frequency attached by ClinVar (database versions not stated): ExAC 0.00004; gnomAD exomes 0.00004 and 0.00011; gnomAD 0.00005; TOPMed 0.00009; ESP Exome Variant Server 0.00023.
gnomAD v4.1: 165 of 1,613,610 alleles (0.01%); highest among the groups gnomAD compares: Non-Finnish European, 0.014%; no homozygotes.

Submission:

Laboratorio de Genetica e Diagnostico Molecular, Hospital Israelita Albert Einstein
Classification: Uncertain significance. Last evaluated: 2021-03-29. Review status: criteria provided, single submitter. Criteria: ACMG Guidelines, 2015. Collection method: clinical testing. Allele origin: germline. Affected: yes.
Comment: ACMG classification criteria: BP4

NM_001365925.2(NLGN1):c.298C>T (p.Pro100Ser)

Gene: NLGN1 (neuroligin 1; plus strand). Cytogenetic location: 3q26.31.
Variant type: single nucleotide variant.
Coding change: c.298C>T on transcript NM_001365925.2 (MANE Select); coding-DNA position 298, C replaced by T.
Protein change: p.Pro100Ser; replaces proline 100 with serine.
Molecular consequence: missense variant.
Genome position (GRCh38, 1-based): chr3:173,604,896, C>T. VCF-style: chr3-173604896-C-T. GRCh37 (hg19) VCF-style: chr3-173322686-C-T.
Other names: c.298C>T, p.Pro100Ser (NM_001365923.2, NM_001365924.2, NM_001365926.2 and 11 more transcripts); short protein forms P100S.
Identifiers: ClinVar variation 1691009 (VCV001691009.2), dbSNP rs140900040, ClinGen allele CA2708496.